The following is an entry in ClinVar:

NM_002769.5(PRSS1):c.457G>A (p.Asp153Asn)

Genes: PRSS1 (serine protease 1; plus strand), TRB (T cell receptor beta locus; plus strand). Cytogenetic location: 7q34.
Variant type: single nucleotide variant.
Coding change: c.457G>A on transcript NM_002769.5 (MANE Select); coding-DNA position 457, G replaced by A.
Protein change: p.Asp153Asn; replaces aspartic acid 153 with asparagine.
Molecular consequence: missense variant.
Genome position (GRCh38, 1-based): chr7:142,752,433, G>A. VCF-style: chr7-142752433-G-A. GRCh37 (hg19) VCF-style: chr7-142460284-G-A.
Other names: short protein forms D153N.
Identifiers: ClinVar variation 1361140 (VCV001361140.11), dbSNP rs61735002, ClinGen allele CA4530017.

ClinVar aggregate classification (germline): Conflicting classifications of pathogenicity. Review status: criteria provided, conflicting classifications (1 of 4 stars). 3 submissions from 3 submitters: Uncertain significance (2); Likely benign (1). Last evaluated 2024-03-07.

Conditions:
Hereditary pancreatitis (PCTT). Also called: PRSS1-Related Hereditary Pancreatitis; Hereditary chronic pancreatitis. Identifiers: Orphanet 676, MedGen C0238339, MONDO:0008185, OMIM 167800.

Allele frequency attached by ClinVar (database versions not stated): gnomAD 0.00003.

Submissions (3):

Labcorp Genetics (formerly Invitae), Labcorp
Classification: Uncertain significance for Hereditary pancreatitis. Last evaluated: 2024-03-07. Review status: criteria provided, single submitter. Criteria: Invitae Variant Classification Sherloc (09022015). Collection method: clinical testing. Allele origin: germline.
Comment: This sequence change replaces aspartic acid, which is acidic and polar, with asparagine, which is neutral and polar, at codon 153 of the PRSS1 protein (p.Asp153Asn). The frequency data for this variant in the population databases is considered unreliable, as metrics indicate poor data quality at this position in the gnomAD database. This variant has not been reported in the literature in individuals affected with PRSS1-related conditions. ClinVar contains an entry for this variant (Variation ID: 1361140). Algorithms developed to predict the effect of missense changes on protein structure and function output the following: SIFT: "Not Available"; PolyPhen-2: "Benign"; Align-GVGD: "Not Available". The asparagine amino acid residue is found in multiple mammalian species, which suggests that this missense change does not adversely affect protein function. In summary, the available evidence is currently insufficient to determine the role of this variant in disease. Therefore, it has been classified as a Variant of Uncertain Significance.

Ambry Genetics
Classification: Likely benign for Hereditary pancreatitis. Last evaluated: 2023-01-31. Review status: criteria provided, single submitter. Criteria: Ambry Variant Classification Scheme 2023. Collection method: clinical testing. Allele origin: germline.

Sema4
Classification: Uncertain significance for Hereditary pancreatitis. Last evaluated: 2021-05-14. Review status: criteria provided, single submitter. Criteria: Sema4 Curation Guidelines. Collection method: curation. Allele origin: germline.
Comment: The PRSS1 c.457G>A (p.D153N) variant has not been reported in the literature to our knowledge. It was observed in 2/129156 chromosomes of the Non-Finnish European subpopulation in the large and broad cohorts of the Genome Aggregation Database (PMID: 32461654). The variant has not been reported in ClinVar. In silico tools suggest the impact of the variant on protein function is inconclusive, though these predictions have not been confirmed by functional studies. The evidence is insufficient to meet ACMG/AMP criteria for classifying the variant as benign or pathogenic. Thus, the clinical significance of this variant is currently uncertain.